The following is an entry in ClinVar:

NM_001288705.3(CSF1R):c.395C>T (p.Pro132Leu)

Gene: CSF1R (colony stimulating factor 1 receptor; minus strand). Cytogenetic location: 5q32.
Variant type: single nucleotide variant.
Coding change: c.395C>T on transcript NM_001288705.3 (MANE Select); coding-DNA position 395, C replaced by T.
Protein change: p.Pro132Leu; replaces proline 132 with leucine.
Molecular consequence: missense variant. On other transcripts: 5 prime UTR variant (1), non-coding transcript variant (2).
Genome position (GRCh38, 1-based): chr5:150,080,249, G>A on the plus strand (C>T on the coding strand, the complement: CSF1R is on the minus strand). VCF-style: chr5-150080249-G-A. GRCh37 (hg19) VCF-style: chr5-149459812-G-A.
Other names: c.395C>T, p.Pro132Leu (NM_001349736.2, NM_001375320.1, NM_005211.4); c.-50C>T (NM_001375321.1); short protein forms P132L.
Identifiers: ClinVar variation 635119 (VCV000635119.4), dbSNP rs1351319114, ClinGen allele CA361734243.

ClinVar aggregate classification (germline): Uncertain significance. Review status: criteria provided, single submitter (1 of 4 stars). 2 submissions from 2 submitters: Uncertain significance (1). 1 of the submissions does not count toward it. Last evaluated 2023-09-03.

Conditions:
Brain abnormalities, neurodegeneration, and dysosteosclerosis. Identifiers: MedGen C5193117, MONDO:0032772, OMIM 618476.

Allele frequency attached by ClinVar (database versions not stated): TOPMed below 0.00001; gnomAD 0.00001; gnomAD exomes 0.00001.

Submissions (2):

Labcorp Genetics (formerly Invitae), Labcorp
Classification: Uncertain significance. Last evaluated: 2023-09-03. Review status: criteria provided, single submitter. Criteria: Invitae Variant Classification Sherloc (09022015). Collection method: clinical testing. Allele origin: germline.
Comment: In summary, the available evidence is currently insufficient to determine the role of this variant in disease. Therefore, it has been classified as a Variant of Uncertain Significance. Experimental studies have shown that this missense change affects CSF1R function (PMID: 30982609). Advanced modeling of protein sequence and biophysical properties (such as structural, functional, and spatial information, amino acid conservation, physicochemical variation, residue mobility, and thermodynamic stability) performed at Invitae indicates that this missense variant is not expected to disrupt CSF1R protein function. ClinVar contains an entry for this variant (Variation ID: 635119). This missense change has been observed in individual(s) with autosomal recessive CSF1R-related conditions (PMID: 30982609). In at least one individual the data is consistent with being in trans (on the opposite chromosome) from a pathogenic variant. This variant is present in population databases (no rsID available, gnomAD 0.006%). This sequence change replaces proline, which is neutral and non-polar, with leucine, which is neutral and non-polar, at codon 132 of the CSF1R protein (p.Pro132Leu).

OMIM
Classification: Pathogenic for BRAIN ABNORMALITIES, NEURODEGENERATION, AND DYSOSTEOSCLEROSIS. Last evaluated: 2019-06-21. Review status: no assertion criteria provided. Collection method: literature only. Allele origin: germline. Not counted in ClinVar's aggregate classification.

Literature cited by the submitters: PubMed 30982609 (cited by Labcorp Genetics (formerly Invitae), Labcorp and OMIM).